The following is an entry in ClinVar:

ClinVar aggregate classification (germline): Uncertain significance (1 of 4 stars; one submission).

Conditions:
Inborn genetic diseases. Identifiers: MedGen C0950123, MeSH D030342.

Submission:

Ambry Genetics
Classification: Uncertain significance for Inborn genetic diseases. Last evaluated: 2025-02-09. Review status: criteria provided, single submitter. Criteria: Ambry Variant Classification Scheme 2023. Collection method: clinical testing. Allele origin: germline.
Comment: The p.M484V variant (also known as c.1450A>G), located in coding exon 11 of the CEP57 gene, results from an A to G substitution at nucleotide position 1450. The methionine at codon 484 is replaced by valine, an amino acid with highly similar properties. This amino acid position is conserved. In addition, the in silico prediction for this alteration is inconclusive. Based on the available evidence, the clinical significance of this variant remains unclear.

NM_014679.5(CEP57):c.1450A>G (p.Met484Val)

Gene: CEP57 (centrosomal protein 57; plus strand). Cytogenetic location: 11q21.
Variant type: single nucleotide variant.
Coding change: c.1450A>G on transcript NM_014679.5 (MANE Select); coding-DNA position 1450, A replaced by G.
Protein change: p.Met484Val; replaces methionine 484 with valine.
Molecular consequence: missense variant.
Genome position (GRCh38, 1-based): chr11:95,831,203, A>G. VCF-style: chr11-95831203-A-G. GRCh37 (hg19) VCF-style: chr11-95564367-A-G.
Other names: c.1423A>G, p.Met475Val (NM_001243776.2); c.1372A>G, p.Met458Val (NM_001243777.2); c.1369A>G, p.Met457Val (NM_001363604.2); short protein forms M457V, M475V, M458V, M484V.
Identifiers: ClinVar variation 3831992 (VCV003831992.1).
Genomic context (GRCh38, chr11:95,831,203, plus strand): 5'-GATTTTATGAAACTGAGACCTGGAGAAAAAAGGAGAAAAAATCTTCAGTTATTGAAGGAC[A>G]TGCAAAGCATACAGAATTCATTACAAAGCAGTAGTTTGTGTTGGGATTACTGACTCATAA-3'
Protein context (NP_055494.2, residues 474-494): RRKNLQLLKD[Met484Val]QSIQNSLQSS